The following is an entry in ClinVar:

NM_004369.4(COL6A3):c.7509G>A (p.Arg2503=)

Gene: COL6A3 (collagen type VI alpha 3 chain; minus strand). Cytogenetic location: 2q37.3.
Variant type: single nucleotide variant.
Coding change: c.7509G>A on transcript NM_004369.4 (MANE Select); coding-DNA position 7509, G replaced by A.
Protein change: p.Arg2503=; no amino-acid change (arginine 2503 retained).
Molecular consequence: synonymous variant.
Genome position (GRCh38, 1-based): chr2:237,344,509, C>T on the plus strand (G>A on the coding strand, the complement: COL6A3 is on the minus strand). VCF-style: chr2-237344509-C-T. GRCh37 (hg19) VCF-style: chr2-238253152-C-T.
Other names: p.Arg2503=; c.5688G>A, p.Arg1896= (NM_057166.5); c.6891G>A, p.Arg2297= (NM_057167.4).
Identifiers: ClinVar variation 94988 (VCV000094988.33), dbSNP rs34181055, ClinGen allele CA148030.

ClinVar aggregate classification (germline): Benign/Likely benign. Review status: criteria provided, multiple submitters, no conflicts (2 of 4 stars). 14 submissions from 14 submitters: Benign (8); Likely benign (1). 5 of the submissions do not count toward it. Last evaluated 2026-02-02.

Conditions:
Collagen 6-related myopathy. Identifiers: MedGen CN117976, MONDO:0100225.
Bethlem myopathy 1A. Also called: MYOPATHY, BENIGN CONGENITAL, WITH CONTRACTURES; Bethlem Muscular Dystrophy; Bethlem myopathy 1. Identifiers: Orphanet 610, MedGen CN029274, MONDO:0024530, OMIM 158810.

Allele frequency attached by ClinVar (database versions not stated): 1000 Genomes Project 30x 0.01780; 1000 Genomes Project 0.01957; TOPMed 0.02239; ESP Exome Variant Server 0.02337; gnomAD 0.02427 and 0.02452; gnomAD exomes 0.02869 and 0.03406; ExAC 0.02967.
gnomAD v4.1: 53,369 of 1,614,188 alleles (3.3%); highest among the groups gnomAD compares: South Asian, 3.9%; 1,038 homozygotes.

Submissions (14):

Labcorp Genetics (formerly Invitae), Labcorp
Classification: Benign for Bethlem myopathy 1A. Last evaluated: 2026-02-02. Review status: criteria provided, single submitter. Criteria: Invitae Variant Classification Sherloc (09022015). Collection method: clinical testing. Allele origin: germline.

Blueprint Genetics
Classification: Likely benign. Last evaluated: 2024-11-26. Review status: criteria provided, single submitter. Criteria: ACMG Guidelines, 2015. Collection method: clinical testing. Allele origin: germline.

Athena Diagnostics
Classification: Benign. Last evaluated: 2023-09-19. Review status: criteria provided, single submitter. Criteria: Athena Diagnostics Criteria. Collection method: clinical testing. Allele origin: unknown.

Mayo Clinic Laboratories, Mayo Clinic
Classification: Benign. Last evaluated: 2022-10-19. Review status: criteria provided, single submitter. Criteria: ACMG Guidelines, 2015. Collection method: clinical testing. Allele origin: germline. Observed: 43 variant alleles.

Illumina Laboratory Services, Illumina
Classification: Benign for Collagen VI-related myopathy. Last evaluated: 2018-01-12. Review status: criteria provided, single submitter. Criteria: ICSL Variant Classification Criteria 13 December 2019. Collection method: clinical testing. Allele origin: germline.
Comment: This variant was observed in the ICSL laboratory as part of a predisposition screen in an ostensibly healthy population. It had not been previously curated by ICSL or reported in the Human Gene Mutation Database (HGMD: prior to June 1st, 2018), and was therefore a candidate for classification through an automated scoring system. Utilizing variant allele frequency, disease prevalence and penetrance estimates, and inheritance mode, an automated score was calculated to assess if this variant is too frequent to cause the disease. Based on the score and internal cut-off values, a variant classified as benign is not then subjected to further curation. The score for this variant resulted in a classification of benign for this disease.

GeneDx
Classification: Benign. Last evaluated: 2015-12-22. Review status: criteria provided, single submitter. Criteria: GeneDx Variant Classification (06012015). Collection method: clinical testing. Allele origin: germline. Affected: yes.
Comment: This variant is considered likely benign or benign based on one or more of the following criteria: it is a conservative change, it occurs at a poorly conserved position in the protein, it is predicted to be benign by multiple in silico algorithms, and/or has population frequency not consistent with disease.

Eurofins Ntd Llc (ga)
Classification: Benign. Last evaluated: 2012-09-19. Review status: criteria provided, single submitter. Criteria: EGL Classification Definitions 2015. Collection method: clinical testing. Allele origin: germline. Observed: 9 variant alleles, 8 heterozygotes, 1 homozygote.

Breakthrough Genomics
Classification: Benign. Review status: criteria provided, single submitter. Criteria: ACMG Guidelines, 2015. Collection method: not provided. Allele origin: germline. Inheritance: Autosomal recessive inheritance. Affected: yes.

PreventionGenetics, part of Exact Sciences
Classification: Benign. Review status: criteria provided, single submitter. Criteria: ACMG Guidelines, 2015. Collection method: clinical testing. Allele origin: germline.

Clinical Genetics, Academic Medical Center
Classification: Benign. Review status: no assertion criteria provided. Collection method: clinical testing. Allele origin: germline. Affected: yes. Study: VKGL Data-share Consensus. Not counted in ClinVar's aggregate classification.

Genetic Services Laboratory, University of Chicago
Classification: Likely benign for AllHighlyPenetrant. Review status: no assertion criteria provided. Collection method: clinical testing. Allele origin: germline. Not counted in ClinVar's aggregate classification.
Comment: Likely benign based on allele frequency in 1000 Genomes Project or ESP global frequency and its presence in a patient with a rare or unrelated disease phenotype. NOT Sanger confirmed.

Genome Diagnostics Laboratory, University Medical Center Utrecht
Classification: Benign. Review status: no assertion criteria provided. Collection method: clinical testing. Allele origin: germline. Affected: yes. Study: VKGL Data-share Consensus. Not counted in ClinVar's aggregate classification.

Joint Genome Diagnostic Labs from Nijmegen and Maastricht, Radboudumc and MUMC+
Classification: Benign. Review status: no assertion criteria provided. Collection method: clinical testing. Allele origin: germline. Affected: yes. Study: VKGL Data-share Consensus. Not counted in ClinVar's aggregate classification.

Laboratory of Diagnostic Genome Analysis, Leiden University Medical Center (LUMC)
Classification: Likely benign. Review status: no assertion criteria provided. Collection method: clinical testing. Allele origin: germline. Affected: yes. Study: VKGL Data-share Consensus. Not counted in ClinVar's aggregate classification.